The following is an entry in ClinVar:

NM_182706.5(SCRIB):c.1276G>A (p.Asp426Asn)

Gene: SCRIB (scribble planar cell polarity protein; minus strand). Cytogenetic location: 8q24.3.
Variant type: single nucleotide variant.
Coding change: c.1276G>A on transcript NM_182706.5 (MANE Select); coding-DNA position 1276, G replaced by A.
Protein change: p.Asp426Asn; replaces aspartic acid 426 with asparagine.
Molecular consequence: missense variant.
Genome position (GRCh38, 1-based): chr8:143,810,814, C>T on the plus strand (G>A on the coding strand, the complement: SCRIB is on the minus strand). VCF-style: chr8-143810814-C-T. GRCh37 (hg19) VCF-style: chr8-144892984-C-T.
Other names: c.1276G>A, p.Asp426Asn (NM_015356.5); short protein forms D426N.
Identifiers: ClinVar variation 3056596 (VCV003056596.2), dbSNP rs148555909, ClinGen allele CA187610939.

ClinVar aggregate classification (germline): Benign (0 of 4 stars; one submission).

Conditions:
SCRIB-related disorder. Also called: SCRIB-related condition.

Allele frequency attached by ClinVar (database versions not stated): 1000 Genomes Project 30x 0.00500; 1000 Genomes Project 0.00519; gnomAD 0.01068; TOPMed 0.01135; ESP Exome Variant Server 0.01169; ExAC 0.01175.
gnomAD v4.1: 20,940 of 1,601,412 alleles (1.3%); highest among the groups gnomAD compares: Non-Finnish European, 1.5%; 171 homozygotes.

Submission:

PreventionGenetics, part of Exact Sciences
Classification: Benign for SCRIB-related condition. Last evaluated: 2019-06-27. Review status: no assertion criteria provided. Collection method: clinical testing. Allele origin: germline.
Comment: This variant is classified as benign based on ACMG/AMP sequence variant interpretation guidelines (Richards et al. 2015 PMID: 25741868, with internal and published modifications).